The following is an entry in ClinVar:

ClinVar aggregate classification (germline): Pathogenic (1 of 4 stars; one submission).

Conditions:
Birt-Hogg-Dube syndrome. Also called: Birt Hogg Dubé syndrome. Identifiers: Orphanet 122, MedGen C0346010, MONDO:0800444.

Submission:

Labcorp Genetics (formerly Invitae), Labcorp
Classification: Pathogenic for Birt-Hogg-Dube syndrome. Last evaluated: 2023-08-10. Review status: criteria provided, single submitter. Criteria: Invitae Variant Classification Sherloc (09022015). Collection method: clinical testing. Allele origin: germline.
Comment: For these reasons, this variant has been classified as Pathogenic. Variants that disrupt the consensus splice site are a relatively common cause of aberrant splicing (PMID: 17576681, 9536098). Studies have shown that this variant results in activation of a cryptic splice site and introduces a premature termination codon (Invitae). The resulting mRNA is expected to undergo nonsense-mediated decay. ClinVar contains an entry for this variant (Variation ID: 934263). This variant has been observed in individual(s) with clinical features of Birt-Hogg-Dubé syndrome (Invitae). This variant is not present in population databases (gnomAD no frequency). This sequence change affects codon 392 of the FLCN mRNA. It is a 'silent' change, meaning that it does not change the encoded amino acid sequence of the FLCN protein. RNA analysis indicates that this variant induces altered splicing and may result in an absent or disrupted protein product.

Literature cited by the submitters: PubMed 17576681; PubMed 9536098.

NM_144997.7(FLCN):c.1176G>C (p.Arg392=)

Gene: FLCN (folliculin; minus strand). Cytogenetic location: 17p11.2.
Variant type: single nucleotide variant.
Coding change: c.1176G>C on transcript NM_144997.7 (MANE Select); coding-DNA position 1176, G replaced by C.
Protein change: p.Arg392=; no amino-acid change (arginine 392 retained).
Molecular consequence: synonymous variant.
Genome position (GRCh38, 1-based): chr17:17,217,069, C>G on the plus strand (G>C on the coding strand, the complement: FLCN is on the minus strand). VCF-style: chr17-17217069-C-G. GRCh37 (hg19) VCF-style: chr17-17120383-C-G.
Other names: c.1230G>C, p.Arg410= (NM_001353229.2); c.1176G>C, p.Arg392= (NM_001353230.2, NM_001353231.2).
Identifiers: ClinVar variation 934263 (VCV000934263.7), dbSNP rs2046948026, ClinGen allele CA498163344.